The following is an entry in ClinVar:

ClinVar aggregate classification (germline): Likely benign. Review status: criteria provided, multiple submitters, no conflicts (2 of 4 stars). 2 submissions from 2 submitters: Likely benign (2). Last evaluated 2026-05-22.

Conditions:
NDUFB10-related disorder. Also called: NDUFB10-related condition.

gnomAD v4.1: 31 of 1,551,230 alleles (0.002%); highest among the groups gnomAD compares: East Asian, 0.015%; no homozygotes.

Submissions (2):

PreventionGenetics, part of Exact Sciences
Classification: Likely benign for NDUFB10-related condition. Last evaluated: 2026-05-22. Review status: criteria provided, single submitter. Criteria: ACMG Guidelines, 2015. Collection method: clinical testing. Allele origin: germline.
Comment: This variant is classified as likely benign based on ACMG/AMP sequence variant interpretation guidelines (Richards et al. 2015 PMID: 25741868, with internal and published modifications).

Labcorp Genetics (formerly Invitae), Labcorp
Classification: Likely benign. Last evaluated: 2025-04-02. Review status: criteria provided, single submitter. Criteria: Invitae Variant Classification Sherloc (09022015). Collection method: clinical testing. Allele origin: germline.

NM_004548.3(NDUFB10):c.410-9C>T

Gene: NDUFB10 (NADH:ubiquinone oxidoreductase subunit B10; plus strand). Cytogenetic location: 16p13.3.
Variant type: single nucleotide variant.
Coding change: c.410-9C>T on transcript NM_004548.3 (MANE Select); 9 bases into the intron before coding-DNA position 410, C replaced by T.
Molecular consequence: intron variant.
Genome position (GRCh38, 1-based): chr16:1,961,788, C>T. VCF-style: chr16-1961788-C-T. GRCh37 (hg19) VCF-style: chr16-2011789-C-T.
Other names: c.410-9C>T (NM_004548.2).
Identifiers: ClinVar variation 3640929 (VCV003640929.3).